The following is an entry in ClinVar:

NM_183381.3(RNF13):c.1033G>A (p.Asp345Asn)

Gene: RNF13 (ring finger protein 13; plus strand). Cytogenetic location: 3q25.1.
Variant type: single nucleotide variant.
Coding change: c.1033G>A on transcript NM_183381.3 (MANE Select); coding-DNA position 1033, G replaced by A.
Protein change: p.Asp345Asn; replaces aspartic acid 345 with asparagine.
Molecular consequence: missense variant. On other transcripts: non-coding transcript variant (1).
Genome position (GRCh38, 1-based): chr3:149,960,991, G>A. VCF-style: chr3-149960991-G-A. GRCh37 (hg19) VCF-style: chr3-149678778-G-A.
Other names: c.1033G>A, p.Asp345Asn (NM_001378285.1, NM_001378286.1, NM_007282.4); c.676G>A, p.Asp226Asn (NM_001378287.1, NM_001378288.1, NM_001378289.1 and 2 more transcripts); c.640G>A, p.Asp214Asn (NM_001378291.1); short protein forms D214N, D345N, D226N.
Identifiers: ClinVar variation 1507402 (VCV001507402.6), dbSNP rs746485111, ClinGen allele CA2663150.
Genomic context (GRCh38, chr3:149,960,991, plus strand): 5'-GCTTTATCGGAATCCCGCTCACATCAGAACATGACAGAATCTTCAGACTATGAGGAAGAC[G>A]ACAATGAAGATACTGACAGTAGTGATGCAGAAAATGAAATTAATGAACATGATGTCGTGG-3'
Protein context (NP_899237.1, residues 335-355): MTESSDYEED[Asp345Asn]NEDTDSSDAE

ClinVar aggregate classification (germline): Uncertain significance (1 of 4 stars; one submission).

Allele frequency attached by ClinVar (database versions not stated): gnomAD exomes below 0.00001; ExAC 0.00001; gnomAD 0.00001; TOPMed 0.00001.
gnomAD v4.1: 8 of 1,614,080 alleles (0.0005%); highest among the groups gnomAD compares: Non-Finnish European, 0.00068%; no homozygotes.

Submission:

Labcorp Genetics (formerly Invitae), Labcorp
Classification: Uncertain significance. Last evaluated: 2023-07-07. Review status: criteria provided, single submitter. Criteria: Invitae Variant Classification Sherloc (09022015). Collection method: clinical testing. Allele origin: germline.
Comment: In summary, the available evidence is currently insufficient to determine the role of this variant in disease. Therefore, it has been classified as a Variant of Uncertain Significance. An algorithm developed to predict the effect of missense changes on protein structure and function (PolyPhen-2) suggests that this variant is likely to be tolerated. ClinVar contains an entry for this variant (Variation ID: 1507402). This variant has not been reported in the literature in individuals affected with RNF13-related conditions. This variant is present in population databases (rs746485111, gnomAD 0.0009%). This sequence change replaces aspartic acid, which is acidic and polar, with asparagine, which is neutral and polar, at codon 345 of the RNF13 protein (p.Asp345Asn).